The following is an entry in ClinVar:

ClinVar aggregate classification (germline): Uncertain significance. Review status: criteria provided, multiple submitters, no conflicts (2 of 4 stars). 2 submissions from 2 submitters: Uncertain significance (2). Last evaluated 2025-04-14.

Conditions:
Hypertrophic cardiomyopathy. Also called: HYPERTROPHIC MYOCARDIOPATHY. Identifiers: Orphanet 217569, MedGen C0007194, MeSH D002312, MONDO:0005045, HP:0001639.
Cardiovascular phenotype. Identifiers: MedGen CN230736.

Allele frequency attached by ClinVar (database versions not stated): TOPMed below 0.00001.

Submissions (2):

Ambry Genetics
Classification: Uncertain significance for Cardiovascular phenotype. Last evaluated: 2025-04-14. Review status: criteria provided, single submitter. Criteria: Ambry Variant Classification Scheme 2023. Collection method: clinical testing. Allele origin: germline.
Comment: The p.S792F variant (also known as c.2375C>T), located in coding exon 19 of the MYH7 gene, results from a C to T substitution at nucleotide position 2375. The serine at codon 792 is replaced by phenylalanine, an amino acid with highly dissimilar properties. This alteration is located in the myosin head domain, which contains a statistically significant clustering of pathogenic missense variants (Homburger JR et al. Proc Natl Acad Sci U S A, 2016 06;113:6701-6; Walsh R et al. Genet Med, 2017 02;19:192-203; Ambry internal data). This variant was reported in individual(s) with features consistent with hypertrophic cardiomyopathy (Ambry internal data). This amino acid position is not well conserved in available vertebrate species. In addition, the in silico prediction for this alteration is inconclusive. Based on the available evidence, the clinical significance of this variant remains unclear.

Labcorp Genetics (formerly Invitae), Labcorp
Classification: Uncertain significance for Hypertrophic cardiomyopathy. Last evaluated: 2019-10-07. Review status: criteria provided, single submitter. Criteria: Invitae Variant Classification Sherloc (09022015). Collection method: clinical testing. Allele origin: germline.
Comment: In summary, the available evidence is currently insufficient to determine the role of this variant in disease. Therefore, it has been classified as a Variant of Uncertain Significance. This variant is found within a region of MYH7 between codons 181 and 937 that contains the majority of the myosin head domain. Missense variants in this region have been shown to be significantly overrepresented in individuals with hypertrophic cardiomyopathy (PMID: 27532257). Algorithms developed to predict the effect of missense changes on protein structure and function are either unavailable or do not agree on the potential impact of this missense change (SIFT: "Deleterious"; PolyPhen-2: "Benign"; Align-GVGD: "Class C15"). This variant has not been reported in the literature in individuals with MYH7-related conditions. This variant is not present in population databases (ExAC no frequency). This sequence change replaces serine with phenylalanine at codon 792 of the MYH7 protein (p.Ser792Phe). The serine residue is highly conserved and there is a large physicochemical difference between serine and phenylalanine.

Literature cited by the submitters: PubMed 27532257 (cited by Labcorp Genetics (formerly Invitae), Labcorp).

NM_000257.4(MYH7):c.2375C>T (p.Ser792Phe)

Genes: MYH7 (myosin heavy chain 7; minus strand), LOC126861898 (BRD4-independent group 4 enhancer GRCh37_chr14:23893609-23894808; plus strand). Cytogenetic location: 14q11.2.
Variant type: single nucleotide variant.
Coding change: c.2375C>T on transcript NM_000257.4 (MANE Select); coding-DNA position 2375, C replaced by T.
Protein change: p.Ser792Phe; replaces serine 792 with phenylalanine.
Molecular consequence: missense variant.
Genome position (GRCh38, 1-based): chr14:23,425,330, G>A on the plus strand (C>T on the coding strand, the complement: MYH7 is on the minus strand). VCF-style: chr14-23425330-G-A. GRCh37 (hg19) VCF-style: chr14-23894539-G-A.
Other names: short protein forms S792F.
Identifiers: ClinVar variation 961746 (VCV000961746.11), dbSNP rs1334451835, ClinGen allele CA389048544.